The following is an entry in ClinVar:

ClinVar aggregate classification (germline): Uncertain significance (1 of 4 stars; one submission).

Conditions:
Charcot-Marie-Tooth disease axonal type 2L. Also called: CHARCOT-MARIE-TOOTH DISEASE, AXONAL, AUTOSOMAL DOMINANT, TYPE 2L; CHARCOT-MARIE-TOOTH NEUROPATHY, AXONAL, TYPE 2L; Charcot-Marie-Tooth Neuropathy Type 2L. Identifiers: Orphanet 99945, MedGen C1837552, MONDO:0012096, OMIM 608673.

Submission:

Labcorp Genetics (formerly Invitae), Labcorp
Classification: Uncertain significance for Charcot-Marie-Tooth disease axonal type 2L. Last evaluated: 2024-12-16. Review status: criteria provided, single submitter. Criteria: Invitae Variant Classification Sherloc (09022015). Collection method: clinical testing. Allele origin: germline.
Comment: This sequence change replaces aspartic acid, which is acidic and polar, with glycine, which is neutral and non-polar, at codon 32 of the HSPB8 protein (p.Asp32Gly). This variant is not present in population databases (gnomAD no frequency). This variant has not been reported in the literature in individuals affected with HSPB8-related conditions. ClinVar contains an entry for this variant (Variation ID: 2839390). An algorithm developed to predict the effect of missense changes on protein structure and function (PolyPhen-2) suggests that this variant is likely to be disruptive. In summary, the available evidence is currently insufficient to determine the role of this variant in disease. Therefore, it has been classified as a Variant of Uncertain Significance.

NM_014365.3(HSPB8):c.95A>G (p.Asp32Gly)

Gene: HSPB8 (heat shock protein family B (small) member 8; plus strand). Cytogenetic location: 12q24.23.
Variant type: single nucleotide variant.
Coding change: c.95A>G on transcript NM_014365.3 (MANE Select); coding-DNA position 95, A replaced by G.
Protein change: p.Asp32Gly; replaces aspartic acid 32 with glycine.
Molecular consequence: missense variant.
Genome position (GRCh38, 1-based): chr12:119,179,407, A>G. VCF-style: chr12-119179407-A-G. GRCh37 (hg19) VCF-style: chr12-119617212-A-G.
Other names: short protein forms D32G.
Identifiers: ClinVar variation 2839390 (VCV002839390.3), dbSNP rs907098896, ClinGen allele CA386524163.